The following is an entry in ClinVar:

ClinVar aggregate classification (germline): Pathogenic (1 of 4 stars; one submission).

Conditions:
Marfan syndrome (MFS). Also called: MARFAN SYNDROME, TYPE I; Marfan syndrome type 1; Marfan's syndrome; Marfan syndrome, classic; FBN1-Related Marfan Syndrome. Identifiers: Orphanet 284963, Orphanet 558, MedGen C0024796, MONDO:0007947, OMIM 154700.
Familial thoracic aortic aneurysm and aortic dissection (TAAD). Also called: Thoracic aortic aneurysms and dissections. Identifiers: Orphanet 91387, MedGen C4707243, MONDO:0019625.

Submission:

Labcorp Genetics (formerly Invitae), Labcorp
Classification: Pathogenic for Marfan syndrome; Familial thoracic aortic aneurysm and aortic dissection. Last evaluated: 2022-11-04. Review status: criteria provided, single submitter. Criteria: Invitae Variant Classification Sherloc (09022015). Collection method: clinical testing. Allele origin: germline.
Comment: This sequence change creates a premature translational stop signal (p.Leu482Alafs*9) in the FBN1 gene. It is expected to result in an absent or disrupted protein product. Loss-of-function variants in FBN1 are known to be pathogenic (PMID: 17657824, 19293843). This variant is not present in population databases (gnomAD no frequency). This variant has not been reported in the literature in individuals affected with FBN1-related conditions. For these reasons, this variant has been classified as Pathogenic.

Literature cited by the submitters: PubMed 17657824; PubMed 19293843.

NM_000138.5(FBN1):c.1443dup (p.Leu482fs)

Gene: FBN1 (fibrillin 1; minus strand). Cytogenetic location: 15q21.1.
Variant type: Duplication.
Coding change: c.1443dup on transcript NM_000138.5 (MANE Select); coding-DNA position 1443, one base duplicated (G; older notation c.1443dupG).
Protein change: p.Leu482fs; shifts the reading frame from leucine 482.
Molecular consequence: frameshift variant.
Genome position (GRCh38, 1-based): chr15:48,515,412, C duplicated on the plus strand (G on the coding strand, the reverse complement: FBN1 is on the minus strand). VCF-style (leftmost placement, unchanged base first): chr15-48515411-G-GC. GRCh37 (hg19) VCF-style: chr15-48807608-G-GC.
Other names: c.1443dup, p.Leu482fs (NM_001406716.1); short protein forms L482fs.
Identifiers: ClinVar variation 2941288 (VCV002941288.3), dbSNP rs2505617436, ClinGen allele CA2740096681.